The following is an entry in ClinVar:

NM_001370466.1(NOD2):c.1969C>T (p.Arg657Trp)

Gene: NOD2 (nucleotide binding oligomerization domain containing 2; plus strand). Cytogenetic location: 16q12.1.
Variant type: single nucleotide variant.
Coding change: c.1969C>T on transcript NM_001370466.1 (MANE Select); coding-DNA position 1969, C replaced by T.
Protein change: p.Arg657Trp; replaces arginine 657 with tryptophan.
Molecular consequence: missense variant. On other transcripts: non-coding transcript variant (1).
Genome position (GRCh38, 1-based): chr16:50,711,961, C>T. VCF-style: chr16-50711961-C-T. GRCh37 (hg19) VCF-style: chr16-50745872-C-T.
Other names: c.2050C>T (LRG_177t1); c.1969C>T, p.Arg657Trp (NM_001293557.2); c.2050C>T, p.Arg684Trp (NM_022162.3); short protein forms R684W, R657W.
Identifiers: ClinVar variation 319458 (VCV000319458.41), dbSNP rs5743276, ClinGen allele CA8051682.

ClinVar aggregate classification (germline): Benign/Likely benign. Review status: criteria provided, multiple submitters, no conflicts (2 of 4 stars). 10 submissions from 9 submitters: Benign (1); Likely benign (8). 1 of the submissions does not count toward it. Last evaluated 2026-01-22.

Conditions:
NOD2-related disorder. Also called: NOD2-related condition.
Autoinflammatory syndrome. Identifiers: Orphanet 93665, MedGen C3890737, MONDO:0019751.
Inflammatory bowel disease 1 (IBD1). Also called: INFLAMMATORY BOWEL DISEASE (CROHN DISEASE) 1; Inflammatory bowel disease 1, Crohn disease. Identifiers: MedGen CN260071, MONDO:0009960, OMIM 266600.
Blau syndrome (BLAUS). Also called: GRANULOMATOSIS, FAMILIAL JUVENILE SYSTEMIC; GRANULOMATOSIS, FAMILIAL, BLAU TYPE; GRANULOMATOUS INFLAMMATORY ARTHRITIS, DERMATITIS, AND UVEITIS, FAMILIAL; JABS SYNDROME; ARTHROCUTANEOUVEAL GRANULOMATOSIS. Identifiers: Orphanet 90340, MedGen C5201146, MONDO:0008523, OMIM 186580.
Regional enteritis. Also called: Enteritis, Granulomatous. Identifiers: MedGen C0678202, MeSH D003424.

Allele frequency attached by ClinVar (database versions not stated): 1000 Genomes Project 30x 0.00016; 1000 Genomes Project 0.00020; gnomAD 0.00032 and 0.00043; ESP Exome Variant Server 0.00038; gnomAD exomes 0.00041; TOPMed 0.00042.
gnomAD v4.1: 574 of 1,613,178 alleles (0.036%); highest among the groups gnomAD compares: Middle Eastern, 0.15%; 2 homozygotes.

Submissions (10):

Labcorp Genetics (formerly Invitae), Labcorp
Classification: Benign for Regional enteritis; Blau syndrome. Last evaluated: 2026-01-22. Review status: criteria provided, single submitter. Criteria: Invitae Variant Classification Sherloc (09022015). Collection method: clinical testing. Allele origin: germline.

Mayo Clinic Laboratories, Mayo Clinic
Classification: Likely benign. Last evaluated: 2025-04-28. Review status: criteria provided, single submitter. Criteria: ACMG Guidelines, 2015. Collection method: clinical testing. Allele origin: germline. Observed: 1 variant allele.
Comment: BS2_supporting, BP4_moderate

Blueprint Genetics
Classification: Likely benign. Last evaluated: 2024-11-01. Review status: criteria provided, single submitter. Criteria: ACMG Guidelines, 2015. Collection method: clinical testing. Allele origin: germline.

ARUP Laboratories, Molecular Genetics and Genomics, ARUP Laboratories
Classification: Likely benign. Last evaluated: 2024-09-20. Review status: criteria provided, single submitter. Criteria: ARUP Molecular Germline Variant Investigation Process 2024. Collection method: clinical testing. Allele origin: germline.

CeGaT Center for Human Genetics Tuebingen
Classification: Likely benign. Last evaluated: 2024-08-01. Review status: criteria provided, single submitter. Criteria: CeGaT Center For Human Genetics Tuebingen Variant Classification Criteria Version 2. Collection method: clinical testing. Allele origin: germline. Affected: yes. Observed: 1 variant allele.
Comment: NOD2: BP4, BS1

Genome Diagnostics Laboratory, The Hospital for Sick Children
Classification: Likely benign for Autoinflammatory syndrome. Last evaluated: 2018-11-01. Review status: criteria provided, single submitter. Criteria: ACMG Guidelines, 2015. Collection method: clinical testing. Allele origin: germline. Affected: yes.

Illumina Laboratory Services, Illumina
Classification: Likely benign for Blau syndrome. Last evaluated: 2017-04-28. Review status: criteria provided, single submitter. Criteria: ICSL Variant Classification Criteria 13 December 2019. Collection method: clinical testing. Allele origin: germline.
Comment: This variant was observed as part of a predisposition screen in an ostensibly healthy population. A literature search was performed for the gene, cDNA change, and amino acid change (where applicable). No publications were found based on this search. Allele frequency data from public databases allowed determination this variant is unlikely to cause disease. Therefore, this variant is classified as likely benign.

Illumina Laboratory Services, Illumina
Classification: Likely benign for Inflammatory bowel disease 1. Last evaluated: 2017-04-28. Review status: criteria provided, single submitter. Criteria: ICSL Variant Classification Criteria 13 December 2019. Collection method: clinical testing. Allele origin: germline.
Comment: This variant was observed as part of a predisposition screen in an ostensibly healthy population. A literature search was performed for the gene, cDNA change, and amino acid change (where applicable). Publications were found based on this search. The evidence from the literature, in combination with allele frequency data from public databases where available, was sufficient to determine this variant is unlikely to cause disease. Therefore, this variant is classified as likely benign.

Breakthrough Genomics
Classification: Likely benign. Review status: criteria provided, single submitter. Criteria: ACMG Guidelines, 2015. Collection method: not provided. Allele origin: germline. Inheritance: Autosomal dominant inheritance. Affected: yes.

PreventionGenetics, part of Exact Sciences
Classification: Likely benign for NOD2-related condition. Last evaluated: 2024-09-27. Review status: no assertion criteria provided. Collection method: clinical testing. Allele origin: germline. Not counted in ClinVar's aggregate classification.
Comment: This variant is classified as likely benign based on ACMG/AMP sequence variant interpretation guidelines (Richards et al. 2015 PMID: 25741868, with internal and published modifications).

Literature cited by the submitters: PubMed 11875755 (cited by Mayo Clinic Laboratories, Mayo Clinic and Illumina Laboratory Services, Illumina); PubMed 20032092 (cited by Mayo Clinic Laboratories, Mayo Clinic and Illumina Laboratory Services, Illumina); PubMed 26316104 (cited by Mayo Clinic Laboratories, Mayo Clinic and Illumina Laboratory Services, Illumina); PubMed 32483926 (cited by Mayo Clinic Laboratories, Mayo Clinic); PubMed 32909274 (cited by Mayo Clinic Laboratories, Mayo Clinic); PubMed 38348033 (cited by Mayo Clinic Laboratories, Mayo Clinic); PubMed 12626759 (cited by Illumina Laboratory Services, Illumina).